The following is an entry in ClinVar:

NM_000817.3(GAD1):c.111T>C (p.His37=)

Gene: GAD1 (glutamate decarboxylase 1; plus strand). Cytogenetic location: 2q31.1.
Variant type: single nucleotide variant.
Coding change: c.111T>C on transcript NM_000817.3 (MANE Select); coding-DNA position 111, T replaced by C.
Protein change: p.His37=; no amino-acid change (histidine 37 retained).
Molecular consequence: synonymous variant.
Genome position (GRCh38, 1-based): chr2:170,822,115, T>C. VCF-style: chr2-170822115-T-C. GRCh37 (hg19) VCF-style: chr2-171678625-T-C.
Other names: c.111T>C, p.His37= (NM_013445.4).
Identifiers: ClinVar variation 332226 (VCV000332226.26), dbSNP rs769404, ClinGen allele CA1962517.

ClinVar aggregate classification (germline): Benign. Review status: criteria provided, multiple submitters, no conflicts (2 of 4 stars). 8 submissions from 8 submitters: Benign (6). 2 of the submissions do not count toward it. Last evaluated 2026-02-03.

Conditions:
Neurodevelopmental disorder with progressive spasticity and brain white matter abnormalities. Also called: CEREBRAL PALSY, SPASTIC QUADRIPLEGIC, 1. Identifiers: Orphanet 210141, Orphanet 641353, MedGen C5436628, MONDO:0033613, OMIM 619026.
Developmental and epileptic encephalopathy 89. Identifiers: MedGen C5436853, MONDO:0030856, OMIM 619124.

Allele frequency attached by ClinVar (database versions not stated): ESP Exome Variant Server 0.33805; TOPMed 0.34464; gnomAD 0.34892 and 0.35292; 1000 Genomes Project 30x 0.35197; 1000 Genomes Project 0.35723; gnomAD exomes 0.39438 and 0.41398; ExAC 0.42474.
gnomAD v4.1: 656,826 of 1,610,348 alleles (41%); highest among the groups gnomAD compares: East Asian, 50%; 136,707 homozygotes.

Submissions (8):

Labcorp Genetics (formerly Invitae), Labcorp
Classification: Benign for Neurodevelopmental disorder with progressive spasticity and brain white matter abnormalities. Last evaluated: 2026-02-03. Review status: criteria provided, single submitter. Criteria: Invitae Variant Classification Sherloc (09022015). Collection method: clinical testing. Allele origin: germline.

Blueprint Genetics
Classification: Benign. Last evaluated: 2024-11-26. Review status: criteria provided, single submitter. Criteria: ACMG Guidelines, 2015. Collection method: clinical testing. Allele origin: germline.

Genome-Nilou Lab
Classification: Benign for Developmental and epileptic encephalopathy 89. Last evaluated: 2021-08-10. Review status: criteria provided, single submitter. Criteria: ACMG Guidelines, 2015. Collection method: clinical testing. Allele origin: germline. Affected: no.

GeneDx
Classification: Benign. Last evaluated: 2018-11-11. Review status: criteria provided, single submitter. Criteria: GeneDx Variant Classification Process June 2021. Collection method: clinical testing. Allele origin: germline. Affected: yes.

Illumina Laboratory Services, Illumina
Classification: Benign. Last evaluated: 2018-01-12. Review status: criteria provided, single submitter. Criteria: ICSL Variant Classification Criteria 13 December 2019. Collection method: clinical testing. Allele origin: germline.
Comment: This variant was observed in the ICSL laboratory as part of a predisposition screen in an ostensibly healthy population. It had not been previously curated by ICSL or reported in the Human Gene Mutation Database (HGMD: prior to June 1st, 2018), and was therefore a candidate for classification through an automated scoring system. Utilizing variant allele frequency, disease prevalence and penetrance estimates, and inheritance mode, an automated score was calculated to assess if this variant is too frequent to cause the disease. Based on the score and internal cut-off values, a variant classified as benign is not then subjected to further curation. The score for this variant resulted in a classification of benign for this disease.

Breakthrough Genomics
Classification: Benign. Review status: criteria provided, single submitter. Criteria: ACMG Guidelines, 2015. Collection method: not provided. Allele origin: germline. Inheritance: Autosomal recessive inheritance. Affected: yes.

Diagnostic Laboratory, Department of Genetics, University Medical Center Groningen
Classification: Benign. Review status: no assertion criteria provided. Collection method: clinical testing. Allele origin: germline. Affected: yes. Study: VKGL Data-share Consensus. Not counted in ClinVar's aggregate classification.

Joint Genome Diagnostic Labs from Nijmegen and Maastricht, Radboudumc and MUMC+
Classification: Benign. Review status: no assertion criteria provided. Collection method: clinical testing. Allele origin: germline. Affected: yes. Study: VKGL Data-share Consensus. Not counted in ClinVar's aggregate classification.